The following is an entry in ClinVar:

ClinVar aggregate classification (germline): Likely pathogenic (1 of 4 stars; one submission).

Conditions:
Fanconi anemia (FA). Also called: Fanconi's anemia. Identifiers: Orphanet 84, MedGen C0015625, MeSH D005199, MONDO:0019391.

Submission:

Laboratory for Molecular Medicine, Mass General Brigham Personalized Medicine
Classification: Likely pathogenic for Fanconi anemia. Last evaluated: 2023-02-02. Review status: criteria provided, single submitter. Criteria: ACMG Guidelines, 2015. Collection method: clinical testing. Allele origin: germline.
Comment: The p.Gly651AspfsX10 in FANCA has not been reported in individuals with Fanconi anemia and was absent from large population databases. This variant is predicted to cause a frameshift, which alters the protein’s amino acid sequence beginning at position 651 and leads to a premature termination codon 10 amino acids downstream. Loss of function of FANCA is an established disease mechanism for autosomal recessive Fanconi anemia. In summary, although additional studies are required to fully establish its clinical significance, this variant meets criteria to be classified as likely pathogenic for autosomal recessive Fanconi anemia. ACMG/AMP criteria applied: PVS1, PM2_Supporting.

NM_000135.4(FANCA):c.1952del (p.Gly651fs)

Gene: FANCA (FA complementation group A; minus strand). Cytogenetic location: 16q24.3.
Variant type: Deletion.
Coding change: c.1952del on transcript NM_000135.4 (MANE Select); coding-DNA position 1952, one base deleted (G; older notation c.1952delG).
Protein change: p.Gly651fs; shifts the reading frame from glycine 651.
Molecular consequence: frameshift variant.
Genome position (GRCh38, 1-based): chr16:89,773,333, C deleted on the plus strand (G on the coding strand, the reverse complement: FANCA is on the minus strand); the first of 3 consecutive C bases (chr16:89,773,333-89,773,335); deleting any one gives the same sequence. VCF-style (leftmost placement, unchanged base first): chr16-89773332-TC-T. GRCh37 (hg19) VCF-style: chr16-89839740-TC-T.
Other names: c.1952del, p.Gly651fs (NM_001286167.3); short protein forms G651fs.
Identifiers: ClinVar variation 3075916 (VCV003075916.1), dbSNP rs2544207530, ClinGen allele CA2635026969.
Genomic context (GRCh38, chr16:89,773,332, plus strand): 5'-ATCACGCTGGCTGGGGTCTGTCATGGAGGCTCTCAGCTCTCCCAGTGCAGCTGTGAGCTG[TC>T]CCAGGGGCTCCTCAGCAGAGTTGGGTTCTGCCCTCACTCCCAGGGCTGCATCTGTGAGAA-3'